The following is an entry in ClinVar:

ClinVar aggregate classification (germline): Uncertain significance. Review status: criteria provided, multiple submitters, no conflicts (2 of 4 stars). 3 submissions from 3 submitters: Uncertain significance (2). 1 of the submissions does not count toward it. Last evaluated 2024-08-11.

Conditions:
Duchenne muscular dystrophy (DMD). Also called: Duchenne Muscular Dystrophy (DMD); MUSCULAR DYSTROPHY, PSEUDOHYPERTROPHIC PROGRESSIVE, DUCHENNE TYPE. Identifiers: Orphanet 98896, MedGen C0013264, MONDO:0010679, OMIM 310200.
Dystrophin deficiency.
Becker muscular dystrophy (BMD). Also called: MUSCULAR DYSTROPHY, PSEUDOHYPERTROPHIC PROGRESSIVE, BECKER TYPE; Becker Muscular Dystrophy (BMD). Identifiers: Orphanet 98895, MedGen C0917713, MONDO:0010311, OMIM 300376.
Cardiomyopathy (CMYO). Also called: Cardiomyopathies. Identifiers: Orphanet 167848, MedGen C0878544, MONDO:0004994, HP:0001638. Inheritance: Various modes of inheritance.

Allele frequency attached by ClinVar (database versions not stated): gnomAD 0.00001; TOPMed 0.00001.
gnomAD v4.1: 1 of 1,210,112 alleles (0.000083%); highest among the groups gnomAD compares: African/African-American, 0.0017%; no homozygotes.

Submissions (3):

Labcorp Genetics (formerly Invitae), Labcorp
Classification: Uncertain significance for Duchenne muscular dystrophy. Last evaluated: 2024-08-11. Review status: criteria provided, single submitter. Criteria: Invitae Variant Classification Sherloc (09022015). Collection method: clinical testing. Allele origin: germline.
Comment: This sequence change replaces asparagine, which is neutral and polar, with isoleucine, which is neutral and non-polar, at codon 831 of the DMD protein (p.Asn831Ile). This variant is not present in population databases (gnomAD no frequency). This variant has not been reported in the literature in individuals affected with DMD-related conditions. ClinVar contains an entry for this variant (Variation ID: 860211). Advanced modeling of protein sequence and biophysical properties (such as structural, functional, and spatial information, amino acid conservation, physicochemical variation, residue mobility, and thermodynamic stability) performed at Invitae indicates that this missense variant is not expected to disrupt DMD protein function with a negative predictive value of 95%. In summary, the available evidence is currently insufficient to determine the role of this variant in disease. Therefore, it has been classified as a Variant of Uncertain Significance.

Revvity Omics, Revvity
Classification: Uncertain significance. Last evaluated: 2020-12-28. Review status: criteria provided, single submitter. Criteria: ACMG Guidelines, 2015. Collection method: clinical testing. Allele origin: germline.

Natera, Inc.
Classification: Uncertain significance for Becker muscular dystrophy; Cardiomyopathy; Duchenne muscular dystrophy; Dystrophin deficiency. Last evaluated: 2019-07-16. Review status: no assertion criteria provided. Collection method: clinical testing. Allele origin: germline. Not counted in ClinVar's aggregate classification.

NM_004006.3(DMD):c.2492A>T (p.Asn831Ile)

Gene: DMD (dystrophin; minus strand). Cytogenetic location: Xp21.1.
Variant type: single nucleotide variant.
Coding change: c.2492A>T on transcript NM_004006.3 (MANE Select); coding-DNA position 2492, A replaced by T.
Protein change: p.Asn831Ile; replaces asparagine 831 with isoleucine.
Molecular consequence: missense variant.
Genome position (GRCh38, 1-based): chrX:32,491,407, T>A on the plus strand (A>T on the coding strand, the complement: DMD is on the minus strand). VCF-style: chrX-32491407-T-A. GRCh37 (hg19) VCF-style: chrX-32509524-T-A.
Other names: c.2468A>T, p.Asn823Ile (NM_000109.4); c.2480A>T, p.Asn827Ile (NM_004009.3); c.2123A>T, p.Asn708Ile (NM_004010.3); short protein forms N708I, N823I, N827I, N831I.
Identifiers: ClinVar variation 860211 (VCV000860211.17), dbSNP rs2042985183, ClinGen allele CA412672452.